The following is an entry in ClinVar:

NM_000069.3(CACNA1S):c.4692A>G (p.Glu1564=)

Gene: CACNA1S (calcium voltage-gated channel subunit alpha1 S; minus strand). Cytogenetic location: 1q32.1.
Variant type: single nucleotide variant.
Coding change: c.4692A>G on transcript NM_000069.3 (MANE Select); coding-DNA position 4692, A replaced by G.
Protein change: p.Glu1564=; no amino-acid change (glutamic acid 1564 retained).
Molecular consequence: synonymous variant.
Genome position (GRCh38, 1-based): chr1:201,044,433, T>C on the plus strand (A>G on the coding strand, the complement: CACNA1S is on the minus strand). VCF-style: chr1-201044433-T-C. GRCh37 (hg19) VCF-style: chr1-201013561-T-C.
Identifiers: ClinVar variation 1902067 (VCV001902067.6), dbSNP rs1418949645, ClinGen allele CA422716582.

ClinVar aggregate classification (germline): Likely benign. Review status: criteria provided, multiple submitters, no conflicts (2 of 4 stars). 2 submissions from 2 submitters: Likely benign (2). Last evaluated 2023-06-26.

Conditions:
Hypokalemic periodic paralysis, type 1. Also called: Hypokalemic Periodic Paralysis Type 1 (AD); HypoPP. Identifiers: Orphanet 681, MedGen C3714580, MONDO:0042979, OMIM 170400.
Malignant hyperthermia, susceptibility to, 5 (MHS5). Also called: CACNA1S-Related Malignant Hyperthermia Susceptibility. Identifiers: Orphanet 423, MedGen C1866077, MONDO:0011163, OMIM 601887.

Allele frequency attached by ClinVar (database versions not stated): gnomAD exomes below 0.00001; TOPMed below 0.00001.
gnomAD v4.1: 1 of 1,613,000 alleles (0.000062%); highest among the groups gnomAD compares: African/African-American, 0.0013%; no homozygotes.

Submissions (2):

All of Us Research Program, National Institutes of Health
Classification: Likely benign for Malignant hyperthermia, susceptibility to, 5. Last evaluated: 2023-06-26. Review status: criteria provided, single submitter. Criteria: ACMG Guidelines, 2015. Collection method: clinical testing. Allele origin: germline. Inheritance: Autosomal dominant inheritance. Observed: 1 variant allele, 1 heterozygote.
Comment: This study involves interpretation of variants in research participants for the purpose of population health screening. Participant phenotype was not available at the time of variant classification. Additional details can be found in publication PMID: 35346344, PMCID: PMC8962531

Labcorp Genetics (formerly Invitae), Labcorp
Classification: Likely benign for Hypokalemic periodic paralysis, type 1; Malignant hyperthermia, susceptibility to, 5. Last evaluated: 2022-05-19. Review status: criteria provided, single submitter. Criteria: Invitae Variant Classification Sherloc (09022015). Collection method: clinical testing. Allele origin: germline.